The following is an entry in ClinVar:

NM_024422.6(DSC2):c.1805C>T (p.Pro602Leu)

Gene: DSC2 (desmocollin 2; minus strand). Cytogenetic location: 18q12.1.
Variant type: single nucleotide variant.
Coding change: c.1805C>T on transcript NM_024422.6 (MANE Select); coding-DNA position 1805, C replaced by T.
Protein change: p.Pro602Leu; replaces proline 602 with leucine.
Molecular consequence: missense variant.
Genome position (GRCh38, 1-based): chr18:31,074,766, G>A on the plus strand (C>T on the coding strand, the complement: DSC2 is on the minus strand). VCF-style: chr18-31074766-G-A. GRCh37 (hg19) VCF-style: chr18-28654732-G-A.
Other names: c.1376C>T, p.Pro459Leu (NM_001406506.1, NM_001406507.1); c.1805C>T, p.Pro602Leu (NM_004949.5); short protein forms P459L, P602L.
Identifiers: ClinVar variation 4742967 (VCV004742967.1).

ClinVar aggregate classification (germline): Uncertain significance (1 of 4 stars; one submission).

Conditions:
Arrhythmogenic right ventricular dysplasia 11. Also called: ARRHYTHMOGENIC RIGHT VENTRICULAR DYSPLASIA, FAMILIAL, 11; Arrhythmogenic Right Ventricular Dysplasia/Cardiomyopathy11; Arrhythmogenic right ventricular dysplasia 11 with mild palmoplantar keratoderma and woolly hair. Identifiers: MedGen C1864850, MONDO:0012506, OMIM 610476.

Submission:

Labcorp Genetics (formerly Invitae), Labcorp
Classification: Uncertain significance for Arrhythmogenic right ventricular dysplasia 11. Last evaluated: 2025-12-20. Review status: criteria provided, single submitter. Criteria: Invitae Variant Classification Sherloc (09022015). Collection method: clinical testing. Allele origin: germline.
Comment: This sequence change replaces proline, which is neutral and non-polar, with leucine, which is neutral and non-polar, at codon 602 of the DSC2 protein (p.Pro602Leu). This variant is not present in population databases (gnomAD no frequency). This variant has not been reported in the literature in individuals affected with DSC2-related conditions. Invitae Evidence Modeling of protein sequence and biophysical properties (such as structural, functional, and spatial information, amino acid conservation, physicochemical variation, residue mobility, and thermodynamic stability) has been performed for this missense variant. However, the output from this modeling did not meet the statistical confidence thresholds required to predict the impact of this variant on DSC2 protein function. In summary, the available evidence is currently insufficient to determine the role of this variant in disease. Therefore, it has been classified as a Variant of Uncertain Significance.